The following is an entry in ClinVar:

NM_002181.4(IHH):c.766G>A (p.Ala256Thr)

Gene: IHH (Indian hedgehog signaling molecule; minus strand). Cytogenetic location: 2q35.
Variant type: single nucleotide variant.
Coding change: c.766G>A on transcript NM_002181.4 (MANE Select); coding-DNA position 766, G replaced by A.
Protein change: p.Ala256Thr; replaces alanine 256 with threonine.
Molecular consequence: missense variant.
Genome position (GRCh38, 1-based): chr2:219,055,677, C>T on the plus strand (G>A on the coding strand, the complement: IHH is on the minus strand). VCF-style: chr2-219055677-C-T. GRCh37 (hg19) VCF-style: chr2-219920399-C-T.
Other names: short protein forms A256T.
Identifiers: ClinVar variation 2985035 (VCV002985035.3), dbSNP rs755666903, ClinGen allele CA2116614.

ClinVar aggregate classification (germline): Uncertain significance (1 of 4 stars; one submission).

Allele frequency attached by ClinVar (database versions not stated): gnomAD 0.00001; ExAC 0.00002.

Submission:

Labcorp Genetics (formerly Invitae), Labcorp
Classification: Uncertain significance. Last evaluated: 2023-07-16. Review status: criteria provided, single submitter. Criteria: Invitae Variant Classification Sherloc (09022015). Collection method: clinical testing. Allele origin: germline.
Comment: This sequence change replaces alanine, which is neutral and non-polar, with threonine, which is neutral and polar, at codon 256 of the IHH protein (p.Ala256Thr). This variant is present in population databases (rs755666903, gnomAD 0.009%). In summary, the available evidence is currently insufficient to determine the role of this variant in disease. Therefore, it has been classified as a Variant of Uncertain Significance. Advanced modeling of protein sequence and biophysical properties (such as structural, functional, and spatial information, amino acid conservation, physicochemical variation, residue mobility, and thermodynamic stability) performed at Invitae indicates that this missense variant is not expected to disrupt IHH protein function. This variant has not been reported in the literature in individuals affected with IHH-related conditions.